The following is an entry in ClinVar:

ClinVar aggregate classification (germline): Uncertain significance. Review status: criteria provided, multiple submitters, no conflicts (2 of 4 stars). 2 submissions from 2 submitters: Uncertain significance (2). Last evaluated 2024-07-30.

Allele frequency attached by ClinVar (database versions not stated): gnomAD exomes 0.00011 and 0.00016; gnomAD 0.00018; ExAC 0.00019; TOPMed 0.00020; 1000 Genomes Project 30x 0.00078; 1000 Genomes Project 0.00080.
gnomAD v4.1: 187 of 1,613,916 alleles (0.012%); highest among the groups gnomAD compares: Admixed American, 0.032%; no homozygotes.

Submissions (2):

Blueprint Genetics
Classification: Uncertain significance. Last evaluated: 2024-07-30. Review status: criteria provided, single submitter. Criteria: ACMG Guidelines, 2015. Collection method: clinical testing. Allele origin: germline.

Labcorp Genetics (formerly Invitae), Labcorp
Classification: Uncertain significance. Last evaluated: 2024-01-02. Review status: criteria provided, single submitter. Criteria: Invitae Variant Classification Sherloc (09022015). Collection method: clinical testing. Allele origin: germline.
Comment: This sequence change replaces serine, which is neutral and polar, with leucine, which is neutral and non-polar, at codon 619 of the GRM6 protein (p.Ser619Leu). This variant is present in population databases (rs140271739, gnomAD 0.03%). This variant has not been reported in the literature in individuals affected with GRM6-related conditions. ClinVar contains an entry for this variant (Variation ID: 845854). Advanced modeling of protein sequence and biophysical properties (such as structural, functional, and spatial information, amino acid conservation, physicochemical variation, residue mobility, and thermodynamic stability) has been performed at Invitae for this missense variant, however the output from this modeling did not meet the statistical confidence thresholds required to predict the impact of this variant on GRM6 protein function. In summary, the available evidence is currently insufficient to determine the role of this variant in disease. Therefore, it has been classified as a Variant of Uncertain Significance.

NM_000843.4(GRM6):c.1856C>T (p.Ser619Leu)

Genes: GRM6 (glutamate metabotropic receptor 6; minus strand), ZNF454 (zinc finger protein 454; plus strand). Cytogenetic location: 5q35.3.
Variant type: single nucleotide variant.
Coding change: c.1856C>T on transcript NM_000843.4 (MANE Select); coding-DNA position 1856, C replaced by T.
Protein change: p.Ser619Leu; replaces serine 619 with leucine.
Molecular consequence: missense variant.
Genome position (GRCh38, 1-based): chr5:178,986,398, G>A on the plus strand (C>T on the coding strand, the complement: GRM6 is on the minus strand). VCF-style: chr5-178986398-G-A. GRCh37 (hg19) VCF-style: chr5-178413399-G-A.
Other names: short protein forms S619L.
Identifiers: ClinVar variation 845854 (VCV000845854.7), dbSNP rs140271739, ClinGen allele CA3593904.